The following is an entry in ClinVar:

ClinVar aggregate classification (germline): Uncertain significance (1 of 4 stars; one submission).

Submission:

Labcorp Genetics (formerly Invitae), Labcorp
Classification: Uncertain significance. Last evaluated: 2021-12-20. Review status: criteria provided, single submitter. Criteria: Invitae Variant Classification Sherloc (09022015). Collection method: clinical testing. Allele origin: germline.
Comment: This variant has not been reported in the literature in individuals affected with COL18A1-related conditions. In summary, the available evidence is currently insufficient to determine the role of this variant in disease. Therefore, it has been classified as a Variant of Uncertain Significance. This variant is present in population databases (no rsID available, gnomAD 0.04%). This sequence change replaces proline, which is neutral and non-polar, with leucine, which is neutral and non-polar, at codon 279 of the COL18A1 protein (p.Pro279Leu).

NM_001379500.1(COL18A1):c.836_837delinsTG (p.Pro279Leu)

Gene: COL18A1 (collagen type XVIII alpha 1 chain; plus strand). Cytogenetic location: 21q22.3.
Variant type: Indel.
Coding change: c.836_837delinsTG on transcript NM_001379500.1 (MANE Select); coding-DNA positions 836 to 837, CC replaced by TG.
Protein change: p.Pro279Leu; replaces proline 279 with leucine.
Molecular consequence: missense variant.
Genome position (GRCh38, 1-based): chr21:45,476,388-45,476,389, CC replaced by TG. VCF-style: chr21-45476388-CC-TG. GRCh37 (hg19) VCF-style: chr21-46896302-CC-TG.
Other names: c.1376_1377delinsTG, p.Pro459Leu (NM_030582.4); c.2081_2082delinsTG, p.Pro694Leu (NM_130444.3); short protein forms P279L, P694L, P459L.
Identifiers: ClinVar variation 1965838 (VCV001965838.5), dbSNP rs2517598676, ClinGen allele CA2580098868.
Genomic context (GRCh38, chr21:45,476,388, plus strand): 5'-CCACCTCCCCTCTCGTCCTCCAGGGCGCGGCCCTAAAACCCAGGCTCCCCGCGCCACCCC[CC>TG]GTCACCACGCCACCCTTGGCTGGAGGCAGCAGCACGGAAGATTCCAGAAGTGAAGAAGTC-3'
Protein context (NP_001366429.1, residues 269-289): ALKPRLPAPP[Pro279Leu]VTTPPLAGGS